The following is an entry in ClinVar:

NM_000037.4(ANK1):c.28-6_29dup

Gene: ANK1 (ankyrin 1; minus strand). Cytogenetic location: 8p11.21.
Variant type: Duplication.
Coding change: c.28-6_29dup on transcript NM_000037.4 (MANE Select); 6 bases into the intron before coding-DNA position 28 through coding-DNA position 29, 8 bases duplicated (TCACAGGC; older notation c.28-6_29dupTCACAGGC).
Molecular consequence: splice acceptor variant.
Genome position (GRCh38, 1-based): chr8:41,758,136-41,758,143, GCCTGTGA duplicated on the plus strand (TCACAGGC on the coding strand, the reverse complement: ANK1 is on the minus strand); duplicating any 8 consecutive bases within chr8:41,758,136-41,758,144 gives the same sequence; the c. name uses the placement nearest the transcript's 3' end. VCF-style (leftmost placement, unchanged base first): chr8-41758135-G-GGCCTGTGA. GRCh37 (hg19) VCF-style: chr8-41615653-G-GGCCTGTGA.
Other names: p.Asp11Hisfs*10; c.127-6_128dup (NM_001142446.2); c.28-6_29dup (NM_020477.3, NM_020475.3, NM_020476.3).
Identifiers: ClinVar variation 2688553 (VCV002688553.3), dbSNP rs2487161455, ClinGen allele CA2697549892.

ClinVar aggregate classification (germline): Conflicting classifications of pathogenicity. Review status: criteria provided, conflicting classifications (1 of 4 stars). 2 submissions from 2 submitters: Likely pathogenic (1); Uncertain significance (1). Last evaluated 2024-03-12.

Conditions:
Hereditary spherocytosis type 1. Also called: Spherocytosis type 1; ANK1-Related Spherocytosis. Identifiers: Orphanet 822, MedGen C2674218, MONDO:0008447, OMIM 182900.

Submissions (2):

Mayo Clinic Laboratories, Mayo Clinic
Classification: Likely pathogenic. Last evaluated: 2024-03-12. Review status: criteria provided, single submitter. Criteria: ACMG Guidelines, 2015. Collection method: clinical testing. Allele origin: germline. Observed: 1 variant allele.
Comment: PM2_moderate, PVS1

Revvity Omics, Revvity
Classification: Uncertain significance for Hereditary spherocytosis type 1. Last evaluated: 2023-02-06. Review status: criteria provided, single submitter. Criteria: ACMG Guidelines, 2015. Collection method: clinical testing. Allele origin: germline.